The following is an entry in ClinVar:

NM_001040142.2(SCN2A):c.4886G>T (p.Arg1629Leu)

Gene: SCN2A (sodium voltage-gated channel alpha subunit 2; plus strand). Cytogenetic location: 2q24.3.
Variant type: single nucleotide variant.
Coding change: c.4886G>T on transcript NM_001040142.2 (MANE Select); coding-DNA position 4886, G replaced by T.
Protein change: p.Arg1629Leu; replaces arginine 1629 with leucine.
Molecular consequence: missense variant.
Genome position (GRCh38, 1-based): chr2:165,388,692, G>T. VCF-style: chr2-165388692-G-T. GRCh37 (hg19) VCF-style: chr2-166245202-G-T.
Other names: c.4886G>T, p.Arg1629Leu (NM_001040143.2, NM_001371246.1, NM_001371247.1 and 1 more transcripts); short protein forms R1629L.
Identifiers: ClinVar variation 660961 (VCV000660961.12), dbSNP rs796053157, ClinGen allele CA349037705.

ClinVar aggregate classification (germline): Pathogenic. Review status: criteria provided, multiple submitters, no conflicts (2 of 4 stars). 2 submissions from 2 submitters: Pathogenic (2). Last evaluated 2024-04-10.

Conditions:
SCN2A-related disorder. Also called: SCN2A-related condition; SCN2A-related disorders. Identifiers: MedGen CN382226, MONDO:1060245.
Seizures, benign familial infantile, 3 (BFIS3). Also called: CONVULSIONS, BENIGN FAMILIAL INFANTILE, 3; Familial neonatal seizures. Identifiers: Orphanet 140927, Orphanet 306, MedGen C1843140, MONDO:0011904, OMIM 607745.
Developmental and epileptic encephalopathy, 11 (DEE11). Also called: Early infantile epileptic encephalopathy 11. Identifiers: Orphanet 1934, MedGen C3150987, MONDO:0013388, OMIM 613721.

Submissions (2):

Blueprint Genetics
Classification: Pathogenic for SCN2A-related disorders. Last evaluated: 2024-04-10. Review status: criteria provided, single submitter. Criteria: ACMG Guidelines, 2015. Collection method: clinical testing. Allele origin: de novo. Affected: yes. Observed: 2 variant alleles.

Labcorp Genetics (formerly Invitae), Labcorp
Classification: Pathogenic for Seizures, benign familial infantile, 3; Developmental and epileptic encephalopathy, 11. Last evaluated: 2023-06-11. Review status: criteria provided, single submitter. Criteria: Invitae Variant Classification Sherloc (09022015). Collection method: clinical testing. Allele origin: germline.
Comment: This missense change has been observed in individual(s) with early onset epileptic encephalopathy (PMID: 23935176). In at least one individual the variant was observed to be de novo. For these reasons, this variant has been classified as Pathogenic. This variant disrupts the p.Arg1629 amino acid residue in SCN2A. Other variant(s) that disrupt this residue have been determined to be pathogenic (PMID: 28379373, 30619928). This suggests that this residue is clinically significant, and that variants that disrupt this residue are likely to be disease-causing. Advanced modeling of protein sequence and biophysical properties (such as structural, functional, and spatial information, amino acid conservation, physicochemical variation, residue mobility, and thermodynamic stability) performed at Invitae indicates that this missense variant is expected to disrupt SCN2A protein function. ClinVar contains an entry for this variant (Variation ID: 660961). This variant is not present in population databases (gnomAD no frequency). This sequence change replaces arginine, which is basic and polar, with leucine, which is neutral and non-polar, at codon 1629 of the SCN2A protein (p.Arg1629Leu).

Literature cited by the submitters: PubMed 23935176 (cited by Labcorp Genetics (formerly Invitae), Labcorp); PubMed 28379373 (cited by Labcorp Genetics (formerly Invitae), Labcorp); PubMed 30619928 (cited by Labcorp Genetics (formerly Invitae), Labcorp).